The following is an entry in ClinVar:

NM_004304.5(ALK):c.1902C>G (p.Cys634Trp)

Gene: ALK (ALK receptor tyrosine kinase; minus strand). Cytogenetic location: 2p23.2.
Variant type: single nucleotide variant.
Coding change: c.1902C>G on transcript NM_004304.5 (MANE Select); coding-DNA position 1902, C replaced by G.
Protein change: p.Cys634Trp; replaces cysteine 634 with tryptophan.
Molecular consequence: missense variant.
Genome position (GRCh38, 1-based): chr2:29,275,412, G>C on the plus strand (C>G on the coding strand, the complement: ALK is on the minus strand). VCF-style: chr2-29275412-G-C. GRCh37 (hg19) VCF-style: chr2-29498278-G-C.
Other names: short protein forms C634W.
Identifiers: ClinVar variation 1397210 (VCV001397210.8), dbSNP rs1215374113, ClinGen allele CA346479871.

ClinVar aggregate classification (germline): Uncertain significance (1 of 4 stars; one submission).

Conditions:
Neuroblastoma, susceptibility to, 3. Also called: ALK-Related Neuroblastic Tumor Susceptibility. Identifiers: Orphanet 635, MedGen C2751681, MONDO:0013083, OMIM 613014.

Submission:

Labcorp Genetics (formerly Invitae), Labcorp
Classification: Uncertain significance for Neuroblastoma, susceptibility to, 3. Last evaluated: 2022-09-06. Review status: criteria provided, single submitter. Criteria: Invitae Variant Classification Sherloc (09022015). Collection method: clinical testing. Allele origin: germline.
Comment: This sequence change replaces cysteine, which is neutral and slightly polar, with tryptophan, which is neutral and slightly polar, at codon 634 of the ALK protein (p.Cys634Trp). This variant is not present in population databases (gnomAD no frequency). This variant has not been reported in the literature in individuals affected with ALK-related conditions. ClinVar contains an entry for this variant (Variation ID: 1397210). Algorithms developed to predict the effect of missense changes on protein structure and function (SIFT, PolyPhen-2, Align-GVGD) all suggest that this variant is likely to be disruptive. Algorithms developed to predict the effect of sequence changes on RNA splicing suggest that this variant may create or strengthen a splice site. In summary, the available evidence is currently insufficient to determine the role of this variant in disease. Therefore, it has been classified as a Variant of Uncertain Significance.